The following is an entry in ClinVar:

ClinVar aggregate classification (germline): Uncertain significance (1 of 4 stars; one submission).

Conditions:
Fabry disease. Also called: ALPHA-GALACTOSIDASE A DEFICIENCY; ANDERSON-FABRY DISEASE; CERAMIDE TRIHEXOSIDASE DEFICIENCY; GLA DEFICIENCY; HEREDITARY DYSTOPIC LIPIDOSIS; Angiokeratoma corporis diffusum. Identifiers: Orphanet 324, MedGen C0002986, MONDO:0010526, OMIM 301500, HP:0001071. Disease mechanism: Fabry disease is due to inactivating mutations in the X-linked GLA gene resulting in deficiency of the enzyme Alpha Galactosidase-A., loss of function.

Submission:

Genomenon, Inc
Classification: Uncertain significance for Fabry disease. Last evaluated: 2026-09-08. Review status: criteria provided, single submitter. Criteria: Genomenon Sequence Variant Interpretation Standards - Updated. Collection method: curation. Allele origin: germline. Affected: no.
Comment: GLA p.Gly395Arg (c.1183G>C) is a missense variant that changes the amino acid at codon 395 from Glycine to Arginine. This variant has been reported in the published literature (PMID:38258498). The presence of pathogenic/likely pathogenic missense variant(s) at the same amino acid position indicates that this residue is likely important for protein function. It is absent or not present at a significant frequency in gnomAD. In silico models predict that this variant is possibly or probably damaging. In conclusion, we classify GLA p.Gly395Arg (c.1183G>C) as a variant of uncertain significance.

Literature cited by the submitters: PubMed 38258498.

NM_000169.3(GLA):c.1183G>C (p.Gly395Arg)

Genes: GLA (galactosidase alpha; minus strand), RPL36A-HNRNPH2 (RPL36A-HNRNPH2 readthrough; plus strand). Cytogenetic location: Xq22.1.
Variant type: single nucleotide variant.
Coding change: c.1183G>C on transcript NM_000169.3 (MANE Select); coding-DNA position 1183, G replaced by C.
Protein change: p.Gly395Arg; replaces glycine 395 with arginine.
Molecular consequence: missense variant. On other transcripts: non-coding transcript variant (3), intron variant (2).
Genome position (GRCh38, 1-based): chrX:101,397,916, C>G on the plus strand (G>C on the coding strand, the complement: GLA is on the minus strand). VCF-style: chrX-101397916-C-G. GRCh37 (hg19) VCF-style: chrX-100652904-C-G.
Other names: c.1306G>C, p.Gly436Arg (NM_001406747.1); c.300+2459C>G (NM_001199973.2); c.177+6094C>G (NM_001199974.2); short protein forms G395R, G436R.
Identifiers: ClinVar variation 4087656 (VCV004087656.2).
Genomic context (GRCh38, chrX:101,397,916, plus strand): 5'-GCAAAACAGTGCCTGTGGGATTTATGTGACTTCTTAACCTTGAAGTCCATTCATAGAACC[C>G]TAGCTTCCTTTTCACAGGGAGGAGCTGTGTGATGAAGCAGGCAGGATTACAGGCCACTCC-3'
Protein context (NP_000160.1, residues 385-405): TQLLPVKRKL[Gly395Arg]FYEWTSRLRS